The following is an entry in ClinVar:

ClinVar aggregate classification (germline): Uncertain significance (1 of 4 stars; one submission).

Conditions:
Focal segmental glomerulosclerosis 7 (FSGS7). Identifiers: Orphanet 656, MedGen C4014925, MONDO:0014451, OMIM 616002.

Submission:

Johns Hopkins Genomics, Johns Hopkins University
Classification: Uncertain significance for Focal segmental glomerulosclerosis 7. Last evaluated: 2021-10-22. Review status: criteria provided, single submitter. Criteria: ACMG Guidelines, 2015. Collection method: clinical testing. Allele origin: germline.
Comment: PAX2 c.263C>T is absent from a large population dataset and has not been reported in ClinVar nor the literature, to our knowledge. Three bioinformatic tools queried predict that this substitution would be damaging and the proline residue at this position is evolutionarily conserved across all species assessed. We consider the clinical significance of PAX2 c.263C>T to be uncertain at this time.

Literature cited by the submitters: PubMed 24676634.

NM_000278.5(PAX2):c.263C>T (p.Pro88Leu)

Gene: PAX2 (paired box 2; plus strand). Cytogenetic location: 10q24.31.
Variant type: single nucleotide variant.
Coding change: c.263C>T on transcript NM_000278.5 (MANE Select); coding-DNA position 263, C replaced by T.
Protein change: p.Pro88Leu; replaces proline 88 with leucine.
Molecular consequence: missense variant.
Genome position (GRCh38, 1-based): chr10:100,750,744, C>T. VCF-style: chr10-100750744-C-T. GRCh37 (hg19) VCF-style: chr10-102510501-C-T.
Other names: c.356C>T, p.Pro119Leu (NM_001304569.2); c.263C>T, p.Pro88Leu (NM_003987.5, NM_003988.5, NM_003989.5 and 1 more transcripts); short protein forms P119L, P88L.
Identifiers: ClinVar variation 1331712 (VCV001331712.1), dbSNP rs1845410479, ClinGen allele CA378257893.